The following is an entry in ClinVar:

ClinVar aggregate classification (germline): Likely benign. Review status: criteria provided, multiple submitters, no conflicts (2 of 4 stars). 2 submissions from 2 submitters: Likely benign (2). Last evaluated 2026-04-01.

Conditions:
Renal carnitine transport defect (CDSP). Also called: Primary carnitine deficiency; Systemic primary carnitine deficiency; Carnitine transporter deficiency; Systemic primary carnitine deficiency disease; Carnitine Deficiency, Systemic; CARNITINE DEFICIENCY, SYSTEMIC, DUE TO DEFECT IN RENAL REABSORPTION OF CARNITINE. Identifiers: Orphanet 158, MedGen C0342788, MONDO:0008919, OMIM 212140.

Submissions (2):

CeGaT Center for Human Genetics Tuebingen
Classification: Likely benign. Last evaluated: 2026-04-01. Review status: criteria provided, single submitter. Criteria: CeGaT Center For Human Genetics Tuebingen Variant Classification Criteria Version 2. Collection method: clinical testing. Allele origin: germline. Affected: yes. Observed: 1 variant allele.
Comment: SLC22A5: PM2:Supporting, BP4, BP7

Labcorp Genetics (formerly Invitae), Labcorp
Classification: Likely benign for Renal carnitine transport defect. Last evaluated: 2024-11-21. Review status: criteria provided, single submitter. Criteria: Invitae Variant Classification Sherloc (09022015). Collection method: clinical testing. Allele origin: germline.

NM_003060.4(SLC22A5):c.219C>T (p.Asp73=)

Gene: SLC22A5 (solute carrier family 22 member 5; plus strand). Cytogenetic location: 5q31.1.
Variant type: single nucleotide variant.
Coding change: c.219C>T on transcript NM_003060.4 (MANE Select); coding-DNA position 219, C replaced by T.
Protein change: p.Asp73=; no amino-acid change (aspartic acid 73 retained).
Molecular consequence: synonymous variant.
Genome position (GRCh38, 1-based): chr5:132,370,191, C>T. VCF-style: chr5-132370191-C-T. GRCh37 (hg19) VCF-style: chr5-131705883-C-T.
Other names: c.219C>T, p.Asp73= (NM_001308122.2).
Identifiers: ClinVar variation 3725729 (VCV003725729.4).